The following is an entry in ClinVar:

NM_032594.4(INSM2):c.117G>A (p.Glu39=)

Gene: INSM2 (INSM transcriptional repressor 2; plus strand). Cytogenetic location: 14q13.2.
Variant type: single nucleotide variant.
Coding change: c.117G>A on transcript NM_032594.4 (MANE Select); coding-DNA position 117, G replaced by A.
Protein change: p.Glu39=; no amino-acid change (glutamic acid 39 retained).
Molecular consequence: synonymous variant.
Genome position (GRCh38, 1-based): chr14:35,534,369, G>A. VCF-style: chr14-35534369-G-A. GRCh37 (hg19) VCF-style: chr14-36003575-G-A.
Identifiers: ClinVar variation 4823550 (VCV004823550.4).

ClinVar aggregate classification (germline): Likely benign (1 of 4 stars; one submission).

Submission:

CeGaT Center for Human Genetics Tuebingen
Classification: Likely benign. Last evaluated: 2026-02-01. Review status: criteria provided, single submitter. Criteria: CeGaT Center For Human Genetics Tuebingen Variant Classification Criteria Version 2. Collection method: clinical testing. Allele origin: germline. Affected: yes. Observed: 1 variant allele.
Comment: INSM2: PM2:Supporting, BP4, BP7